The following is an entry in ClinVar:

ClinVar aggregate classification (germline): Uncertain significance (1 of 4 stars; one submission).

Allele frequency attached by ClinVar (database versions not stated): gnomAD 0.00001 and 0.00003; gnomAD exomes 0.00001 and 0.00004; TOPMed 0.00001; ExAC 0.00006; 1000 Genomes Project 30x 0.00031; 1000 Genomes Project 0.00040.
gnomAD v4.1: 13 of 1,613,830 alleles (0.00081%); highest among the groups gnomAD compares: East Asian, 0.013%; no homozygotes.

Submission:

Labcorp Genetics (formerly Invitae), Labcorp
Classification: Uncertain significance. Last evaluated: 2025-10-07. Review status: criteria provided, single submitter. Criteria: Invitae Variant Classification Sherloc (09022015). Collection method: clinical testing. Allele origin: germline.
Comment: This sequence change replaces leucine, which is neutral and non-polar, with proline, which is neutral and non-polar, at codon 1002 of the SAMD9 protein (p.Leu1002Pro). This variant is present in population databases (rs563839759, gnomAD 0.04%). This variant has not been reported in the literature in individuals affected with SAMD9-related conditions. ClinVar contains an entry for this variant (Variation ID: 1445055). Invitae Evidence Modeling of protein sequence and biophysical properties (such as structural, functional, and spatial information, amino acid conservation, physicochemical variation, residue mobility, and thermodynamic stability) indicates that this missense variant is not expected to disrupt SAMD9 protein function with a negative predictive value of 95%. In summary, the available evidence is currently insufficient to determine the role of this variant in disease. Therefore, it has been classified as a Variant of Uncertain Significance.

NM_017654.4(SAMD9):c.3005T>C (p.Leu1002Pro)

Gene: SAMD9 (sterile alpha motif domain containing 9; minus strand). Cytogenetic location: 7q21.2.
Variant type: single nucleotide variant.
Coding change: c.3005T>C on transcript NM_017654.4 (MANE Select); coding-DNA position 3005, T replaced by C.
Protein change: p.Leu1002Pro; replaces leucine 1002 with proline.
Molecular consequence: missense variant.
Genome position (GRCh38, 1-based): chr7:93,103,093, A>G on the plus strand (T>C on the coding strand, the complement: SAMD9 is on the minus strand). VCF-style: chr7-93103093-A-G. GRCh37 (hg19) VCF-style: chr7-92732406-A-G.
Other names: c.3005T>C, p.Leu1002Pro (NM_001193307.2); short protein forms L1002P.
Identifiers: ClinVar variation 1445055 (VCV001445055.7), dbSNP rs563839759, ClinGen allele CA4342764.
Genomic context (GRCh38, chr7:93,103,093, plus strand): 5'-ATACCAGTATCGAAGAACAAATTCTCAGTTAGCATATCCAACATAATTTGACTTTTATTC[A>G]GGTGATAGCTTTTCTTCAATTCTTCCAGTGAGAACTCTGCAATCAAAGAGTGAATGATGC-3'
Protein context (NP_060124.2, residues 992-1012): SLEELKKSYH[Leu1002Pro]NKSQIMLDML